The following is an entry in ClinVar:

ClinVar aggregate classification (germline): Uncertain significance. Review status: criteria provided, multiple submitters, no conflicts (2 of 4 stars). 2 submissions from 2 submitters: Uncertain significance (2). Last evaluated 2022-04-19.

Conditions:
Myoclonic epilepsy, juvenile, susceptibility to, 1. Also called: Myoclonic Epilepsy, Juvenile, 1; EJM1. Identifiers: MedGen C1850778, MONDO:0020752, OMIM 254770.
Absence seizure. Also called: Absence epilepsy. Identifiers: Orphanet 1941, MedGen C0014553.

Allele frequency attached by ClinVar (database versions not stated): gnomAD 0.00001; TOPMed 0.00001.
gnomAD v4.1: 48 of 1,614,000 alleles (0.003%); highest among the groups gnomAD compares: South Asian, 0.035%; no homozygotes.

Submissions (2):

Fulgent Genetics
Classification: Uncertain significance for Myoclonic epilepsy, juvenile, susceptibility to, 1; Epilepsy, juvenile absence, susceptibility to, 1. Last evaluated: 2022-04-19. Review status: criteria provided, single submitter. Criteria: ACMG Guidelines, 2015. Collection method: clinical testing. Allele origin: unknown.

Labcorp Genetics (formerly Invitae), Labcorp
Classification: Uncertain significance for Myoclonic epilepsy, juvenile, susceptibility to, 1; Absence seizure. Last evaluated: 2020-07-30. Review status: criteria provided, single submitter. Criteria: Invitae Variant Classification Sherloc (09022015). Collection method: clinical testing. Allele origin: germline.
Comment: This variant has not been reported in the literature in individuals with EFHC1-related conditions. This variant is present in population databases (rs748229072, ExAC 0.03%). This sequence change replaces arginine with cysteine at codon 42 of the EFHC1 protein (p.Arg42Cys). The arginine residue is moderately conserved and there is a large physicochemical difference between arginine and cysteine. Algorithms developed to predict the effect of missense changes on protein structure and function are either unavailable or do not agree on the potential impact of this missense change (SIFT: "Tolerated"; PolyPhen-2: "Possibly Damaging"; Align-GVGD: "Class C15"). In summary, the available evidence is currently insufficient to determine the role of this variant in disease. Therefore, it has been classified as a Variant of Uncertain Significance.

NM_018100.4(EFHC1):c.124C>T (p.Arg42Cys)

Gene: EFHC1 (EF-hand domain containing 1; plus strand). Cytogenetic location: 6p12.2.
Variant type: single nucleotide variant.
Coding change: c.124C>T on transcript NM_018100.4 (MANE Select); coding-DNA position 124, C replaced by T.
Protein change: p.Arg42Cys; replaces arginine 42 with cysteine.
Molecular consequence: missense variant. On other transcripts: non-coding transcript variant (1).
Genome position (GRCh38, 1-based): chr6:52,424,006, C>T. VCF-style: chr6-52424006-C-T. GRCh37 (hg19) VCF-style: chr6-52288804-C-T.
Other names: c.67C>T, p.Arg23Cys (NM_001172420.2); short protein forms R23C, R42C.
Identifiers: ClinVar variation 1053349 (VCV001053349.11), dbSNP rs748229072, ClinGen allele CA3855680.